The following is an entry in ClinVar:

NM_015909.4(NBAS):c.4613C>T (p.Pro1538Leu)

Gene: NBAS (NBAS subunit of NRZ tethering complex; minus strand). Cytogenetic location: 2p24.3.
Variant type: single nucleotide variant.
Coding change: c.4613C>T on transcript NM_015909.4 (MANE Select); coding-DNA position 4613, C replaced by T.
Protein change: p.Pro1538Leu; replaces proline 1538 with leucine.
Molecular consequence: missense variant. On other transcripts: non-coding transcript variant (1).
Genome position (GRCh38, 1-based): chr2:15,309,217, G>A on the plus strand (C>T on the coding strand, the complement: NBAS is on the minus strand). VCF-style: chr2-15309217-G-A. GRCh37 (hg19) VCF-style: chr2-15449341-G-A.
Other names: short protein forms P1538L.
Identifiers: ClinVar variation 2109738 (VCV002109738.4), dbSNP rs1276689371, ClinGen allele CA345893701.

ClinVar aggregate classification (germline): Uncertain significance (1 of 4 stars; one submission).

Submission:

Labcorp Genetics (formerly Invitae), Labcorp
Classification: Uncertain significance. Last evaluated: 2022-03-12. Review status: criteria provided, single submitter. Criteria: Invitae Variant Classification Sherloc (09022015). Collection method: clinical testing. Allele origin: germline.
Comment: In summary, the available evidence is currently insufficient to determine the role of this variant in disease. Therefore, it has been classified as a Variant of Uncertain Significance. Algorithms developed to predict the effect of missense changes on protein structure and function are either unavailable or do not agree on the potential impact of this missense change (SIFT: "Deleterious"; PolyPhen-2: "Benign"; Align-GVGD: "Class C65"). This variant has not been reported in the literature in individuals affected with NBAS-related conditions. This variant is not present in population databases (gnomAD no frequency). This sequence change replaces proline, which is neutral and non-polar, with leucine, which is neutral and non-polar, at codon 1538 of the NBAS protein (p.Pro1538Leu).